The following is an entry in ClinVar:

NM_003848.4(SUCLG2):c.898G>T (p.Asp300Tyr)

Gene: SUCLG2 (succinate-CoA ligase GDP-forming subunit beta; minus strand). Cytogenetic location: 3p14.1.
Variant type: single nucleotide variant.
Coding change: c.898G>T on transcript NM_003848.4 (MANE Select); coding-DNA position 898, G replaced by T.
Protein change: p.Asp300Tyr; replaces aspartic acid 300 with tyrosine.
Molecular consequence: missense variant.
Genome position (GRCh38, 1-based): chr3:67,498,155, C>A on the plus strand (G>T on the coding strand, the complement: SUCLG2 is on the minus strand). VCF-style: chr3-67498155-C-A. GRCh37 (hg19) VCF-style: chr3-67548579-C-A.
Other names: c.898G>T, p.Asp300Tyr (NM_001177599.2); short protein forms D300Y.
Identifiers: ClinVar variation 2708758 (VCV002708758.3), dbSNP rs953821574, ClinGen allele CA76747421.

ClinVar aggregate classification (germline): Uncertain significance (1 of 4 stars; one submission).

Allele frequency attached by ClinVar (database versions not stated): TOPMed below 0.00001; gnomAD exomes 0.00001.
gnomAD v4.1: 13 of 1,612,276 alleles (0.00081%); highest among the groups gnomAD compares: Admixed American, 0.0017%; no homozygotes.

Submission:

Labcorp Genetics (formerly Invitae), Labcorp
Classification: Uncertain significance. Last evaluated: 2023-12-15. Review status: criteria provided, single submitter. Criteria: Invitae Variant Classification Sherloc (09022015). Collection method: clinical testing. Allele origin: germline.
Comment: This sequence change replaces aspartic acid, which is acidic and polar, with tyrosine, which is neutral and polar, at codon 300 of the SUCLG2 protein (p.Asp300Tyr). This variant is present in population databases (no rsID available, gnomAD 0.002%). This variant has not been reported in the literature in individuals affected with SUCLG2-related conditions. An algorithm developed to predict the effect of missense changes on protein structure and function (PolyPhen-2) suggests that this variant is likely to be disruptive. In summary, the available evidence is currently insufficient to determine the role of this variant in disease. Therefore, it has been classified as a Variant of Uncertain Significance.